The following is an entry in ClinVar:

NM_001276270.2(MBD4):c.401C>A (p.Thr134Asn)

Gene: MBD4 (methyl-CpG binding domain 4, DNA glycosylase; minus strand). Cytogenetic location: 3q21.3.
Variant type: single nucleotide variant.
Coding change: c.401C>A on transcript NM_001276270.2 (MANE Select); coding-DNA position 401, C replaced by A.
Protein change: p.Thr134Asn; replaces threonine 134 with asparagine.
Molecular consequence: missense variant. On other transcripts: intron variant (1).
Genome position (GRCh38, 1-based): chr3:129,437,243, G>T on the plus strand (C>A on the coding strand, the complement: MBD4 is on the minus strand). VCF-style: chr3-129437243-G-T. GRCh37 (hg19) VCF-style: chr3-129156086-G-T.
Other names: c.401C>A, p.Thr134Asn (NM_001276271.2, NM_001276272.2, NM_003925.3); c.247+565C>A (NM_001276273.2); short protein forms T134N.
Identifiers: ClinVar variation 3543802 (VCV003543802.3).

ClinVar aggregate classification (germline): Uncertain significance. Review status: criteria provided, multiple submitters, no conflicts (2 of 4 stars). 2 submissions from 2 submitters: Uncertain significance (2). Last evaluated 2025-11-09.

Conditions:
Inborn genetic diseases. Identifiers: MedGen C0950123, MeSH D030342.

gnomAD v4.1: 2 of 1,612,222 alleles (0.00012%); highest among the groups gnomAD compares: African/African-American, 0.0013%; no homozygotes.

Submissions (2):

Labcorp Genetics (formerly Invitae), Labcorp
Classification: Uncertain significance. Last evaluated: 2025-11-09. Review status: criteria provided, single submitter. Criteria: Invitae Variant Classification Sherloc (09022015). Collection method: clinical testing. Allele origin: germline.
Comment: This sequence change replaces threonine, which is neutral and polar, with asparagine, which is neutral and polar, at codon 134 of the MBD4 protein (p.Thr134Asn). This variant is not present in population databases (gnomAD no frequency). This variant has not been reported in the literature in individuals affected with MBD4-related conditions. ClinVar contains an entry for this variant (Variation ID: 3543802). An algorithm developed to predict the effect of missense changes on protein structure and function outputs the following: PolyPhen-2: "Benign". The asparagine amino acid residue is found in multiple mammalian species, which suggests that this missense change does not adversely affect protein function. In summary, the available evidence is currently insufficient to determine the role of this variant in disease. Therefore, it has been classified as a Variant of Uncertain Significance.

Ambry Genetics
Classification: Uncertain significance for Inborn genetic diseases. Last evaluated: 2024-12-08. Review status: criteria provided, single submitter. Criteria: Ambry Variant Classification Scheme 2023. Collection method: clinical testing. Allele origin: germline.
Comment: The p.T134N variant (also known as c.401C>A), located in coding exon 3 of the MBD4 gene, results from a C to A substitution at nucleotide position 401. The threonine at codon 134 is replaced by asparagine, an amino acid with similar properties. This amino acid position is conserved. In addition, the in silico prediction for this alteration is inconclusive. Based on the available evidence, the clinical significance of this variant remains unclear.